The following is an entry in ClinVar:

NM_000020.3(ACVRL1):c.1034G>T (p.Cys345Phe)

Gene: ACVRL1 (activin A receptor like type 1; plus strand). Cytogenetic location: 12q13.13.
Variant type: single nucleotide variant.
Coding change: c.1034G>T on transcript NM_000020.3 (MANE Select); coding-DNA position 1034, G replaced by T.
Protein change: p.Cys345Phe; replaces cysteine 345 with phenylalanine.
Molecular consequence: missense variant.
Genome position (GRCh38, 1-based): chr12:51,915,486, G>T. VCF-style: chr12-51915486-G-T. GRCh37 (hg19) VCF-style: chr12-52309270-G-T.
Other names: c.1034G>T, p.Cys345Phe (NM_001077401.2, NM_001406487.1, NM_001406488.1 and 1 more transcripts); c.722G>T, p.Cys241Phe (NM_001406490.1, NM_001406491.1, NM_001406492.1 and 2 more transcripts); c.470G>T, p.Cys157Phe (NM_001406495.1); short protein forms C241F, C345F, C157F.
Identifiers: ClinVar variation 3635224 (VCV003635224.2).

ClinVar aggregate classification (germline): Pathogenic (1 of 4 stars; one submission).

Conditions:
Telangiectasia, hereditary hemorrhagic, type 2 (HHT2). Also called: ACVRL1-Related Hereditary Hemorrhagic Telangiectasia; Telangiectasia, hereditary hemorrhagic, type II. Identifiers: Orphanet 774, MedGen C1838163, MONDO:0010880, OMIM 600376. Disease mechanism: loss of function.

Submission:

Labcorp Genetics (formerly Invitae), Labcorp
Classification: Pathogenic for Telangiectasia, hereditary hemorrhagic, type 2. Last evaluated: 2025-08-13. Review status: criteria provided, single submitter. Criteria: Invitae Variant Classification Sherloc (09022015). Collection method: clinical testing. Allele origin: germline.
Comment: This sequence change replaces cysteine, which is neutral and slightly polar, with phenylalanine, which is neutral and non-polar, at codon 345 of the ACVRL1 protein (p.Cys345Phe). This variant is not present in population databases (gnomAD no frequency). This missense change has been observed in individual(s) with hereditary hemorrhagic telangiectasia (internal data). ClinVar contains an entry for this variant (Variation ID: 3635224). Invitae Evidence Modeling of protein sequence and biophysical properties (such as structural, functional, and spatial information, amino acid conservation, physicochemical variation, residue mobility, and thermodynamic stability) indicates that this missense variant is expected to disrupt ACVRL1 protein function with a positive predictive value of 95%. This variant disrupts the p.Cys345 amino acid residue in ACVRL1. Other variant(s) that disrupt this residue have been determined to be pathogenic (internal data). This suggests that this residue is clinically significant, and that variants that disrupt this residue are likely to be disease-causing. For these reasons, this variant has been classified as Pathogenic.